The following is an entry in ClinVar:

ClinVar aggregate classification (germline): Uncertain significance. Review status: criteria provided, multiple submitters, no conflicts (2 of 4 stars). 2 submissions from 2 submitters: Uncertain significance (2). Last evaluated 2025-10-28.

Allele frequency attached by ClinVar (database versions not stated): TOPMed 0.00019; gnomAD exomes 0.00018; ESP Exome Variant Server 0.00031; gnomAD 0.00034; ExAC 0.00035.
gnomAD v4.1: 316 of 1,607,858 alleles (0.02%); highest among the groups gnomAD compares: Non-Finnish European, 0.023%; no homozygotes.

Submissions (2):

Labcorp Genetics (formerly Invitae), Labcorp
Classification: Uncertain significance. Last evaluated: 2025-10-28. Review status: criteria provided, single submitter. Criteria: Invitae Variant Classification Sherloc (09022015). Collection method: clinical testing. Allele origin: germline.
Comment: This sequence change replaces valine, which is neutral and non-polar, with alanine, which is neutral and non-polar, at codon 42 of the A4GALT protein (p.Val42Ala). This variant is present in population databases (rs148881382, gnomAD 0.04%). This variant has not been reported in the literature in individuals affected with A4GALT-related conditions. ClinVar contains an entry for this variant (Variation ID: 2388544). An algorithm developed to predict the effect of missense changes on protein structure and function (PolyPhen-2) suggests that this variant is likely to be tolerated. In summary, the available evidence is currently insufficient to determine the role of this variant in disease. Therefore, it has been classified as a Variant of Uncertain Significance.

Ambry Genetics
Classification: Uncertain significance. Last evaluated: 2025-05-21. Review status: criteria provided, single submitter. Criteria: Ambry Variant Classification Scheme 2023. Collection method: clinical testing. Allele origin: germline.

NM_017436.7(A4GALT):c.125T>C (p.Val42Ala)

Gene: A4GALT (alpha 1,4-galactosyltransferase (P1PK blood group); minus strand). Cytogenetic location: 22q13.2.
Variant type: single nucleotide variant.
Coding change: c.125T>C on transcript NM_017436.7 (MANE Select); coding-DNA position 125, T replaced by C.
Protein change: p.Val42Ala; replaces valine 42 with alanine.
Molecular consequence: missense variant.
Genome position (GRCh38, 1-based): chr22:42,693,827, A>G on the plus strand (T>C on the coding strand, the complement: A4GALT is on the minus strand). VCF-style: chr22-42693827-A-G. GRCh37 (hg19) VCF-style: chr22-43089833-A-G.
Other names: c.125T>C, p.Val42Ala (NM_001318038.3); short protein forms V42A.
Identifiers: ClinVar variation 2388544 (VCV002388544.5), dbSNP rs148881382, ClinGen allele CA10270380.